The following is an entry in ClinVar:

ClinVar aggregate classification (germline): Uncertain significance (1 of 4 stars; one submission).

gnomAD v4.1: 18 of 1,612,426 alleles (0.0011%); highest among the groups gnomAD compares: Admixed American, 0.0017%; no homozygotes.

Submission:

Labcorp Genetics (formerly Invitae), Labcorp
Classification: Uncertain significance. Last evaluated: 2024-07-07. Review status: criteria provided, single submitter. Criteria: Invitae Variant Classification Sherloc (09022015). Collection method: clinical testing. Allele origin: germline.
Comment: This sequence change replaces aspartic acid, which is acidic and polar, with histidine, which is basic and polar, at codon 54 of the DSTYK protein (p.Asp54His). This variant is present in population databases (rs771931255, gnomAD 0.0009%). This variant has not been reported in the literature in individuals affected with DSTYK-related conditions. An algorithm developed to predict the effect of missense changes on protein structure and function (PolyPhen-2) suggests that this variant is likely to be disruptive. In summary, the available evidence is currently insufficient to determine the role of this variant in disease. Therefore, it has been classified as a Variant of Uncertain Significance.

NM_015375.3(DSTYK):c.160G>C (p.Asp54His)

Gene: DSTYK (dual serine/threonine and tyrosine protein kinase; minus strand). Cytogenetic location: 1q32.1.
Variant type: single nucleotide variant.
Coding change: c.160G>C on transcript NM_015375.3 (MANE Select); coding-DNA position 160, G replaced by C.
Protein change: p.Asp54His; replaces aspartic acid 54 with histidine.
Molecular consequence: missense variant.
Genome position (GRCh38, 1-based): chr1:205,211,376, C>G on the plus strand (G>C on the coding strand, the complement: DSTYK is on the minus strand). VCF-style: chr1-205211376-C-G. GRCh37 (hg19) VCF-style: chr1-205180504-C-G.
Other names: c.160G>C, p.Asp54His (NM_199462.3); short protein forms D54H.
Identifiers: ClinVar variation 3606133 (VCV003606133.2).